The following is an entry in ClinVar:

NM_001160372.4(TRAPPC9):c.1958C>T (p.Thr653Met)

Gene: TRAPPC9 (trafficking protein particle complex subunit 9; minus strand). Cytogenetic location: 8q24.3.
Variant type: single nucleotide variant.
Coding change: c.1958C>T on transcript NM_001160372.4 (MANE Select); coding-DNA position 1958, C replaced by T.
Protein change: p.Thr653Met; replaces threonine 653 with methionine.
Molecular consequence: missense variant. On other transcripts: non-coding transcript variant (1).
Genome position (GRCh38, 1-based): chr8:140,287,631, G>A on the plus strand (C>T on the coding strand, the complement: TRAPPC9 is on the minus strand). VCF-style: chr8-140287631-G-A. GRCh37 (hg19) VCF-style: chr8-141297730-G-A.
Other names: c.1931C>T, p.Thr644Met (NM_001321646.2); c.1979C>T, p.Thr660Met (NM_001374682.1); c.1958C>T, p.Thr653Met (NM_001374683.1, NM_031466.8); c.1814C>T, p.Thr605Met (NM_001374684.1); short protein forms T660M, T644M, T653M, T605M.
Identifiers: ClinVar variation 1788456 (VCV001788456.6), dbSNP rs190087909, ClinGen allele CA4893259.

ClinVar aggregate classification (germline): Uncertain significance. Review status: criteria provided, multiple submitters, no conflicts (2 of 4 stars). 3 submissions from 3 submitters: Uncertain significance (3). Last evaluated 2025-05-28.

Conditions:
Inborn genetic diseases. Identifiers: MedGen C0950123, MeSH D030342.

Allele frequency attached by ClinVar (database versions not stated): gnomAD 0.00011; TOPMed 0.00008; 1000 Genomes Project 0.00020; ExAC 0.00007; ESP Exome Variant Server 0.00008; gnomAD exomes 0.00012; 1000 Genomes Project 30x 0.00016.
gnomAD v4.1: 197 of 1,614,186 alleles (0.012%); highest among the groups gnomAD compares: East Asian, 0.013%; no homozygotes.

Submissions (3):

Ambry Genetics
Classification: Uncertain significance for Inborn genetic diseases. Last evaluated: 2025-05-28. Review status: criteria provided, single submitter. Criteria: Ambry Variant Classification Scheme 2023. Collection method: clinical testing. Allele origin: germline.
Comment: The c.2252C>T (p.T751M) alteration is located in exon 13 (coding exon 13) of the TRAPPC9 gene. This alteration results from a C to T substitution at nucleotide position 2252, causing the threonine (T) at amino acid position 751 to be replaced by a methionine (M). Based on data from gnomAD, the T allele has an overall frequency of 0.01% (27/282848) total alleles studied. The highest observed frequency was 0.03% (2/7226) of Other alleles. This amino acid position is well conserved in available vertebrate species. This alteration is predicted to be tolerated by in silico analysis. Based on insufficient or conflicting evidence, the clinical significance of this alteration remains unclear.

GeneDx
Classification: Uncertain significance. Last evaluated: 2023-02-15. Review status: criteria provided, single submitter. Criteria: GeneDx Variant Classification Process June 2021. Collection method: clinical testing. Allele origin: germline. Affected: yes.
Comment: In silico analysis supports that this missense variant does not alter protein structure/function; Has not been previously published as pathogenic or benign to our knowledge

Labcorp Genetics (formerly Invitae), Labcorp
Classification: Uncertain significance. Last evaluated: 2022-08-08. Review status: criteria provided, single submitter. Criteria: Invitae Variant Classification Sherloc (09022015). Collection method: clinical testing. Allele origin: germline.
Comment: This sequence change replaces threonine, which is neutral and polar, with methionine, which is neutral and non-polar, at codon 751 of the TRAPPC9 protein (p.Thr751Met). This variant is present in population databases (rs190087909, gnomAD 0.03%). This variant has not been reported in the literature in individuals affected with TRAPPC9-related conditions. Algorithms developed to predict the effect of missense changes on protein structure and function are either unavailable or do not agree on the potential impact of this missense change (SIFT: "Not Available"; PolyPhen-2: "Probably Damaging"; Align-GVGD: "Not Available"). In summary, the available evidence is currently insufficient to determine the role of this variant in disease. Therefore, it has been classified as a Variant of Uncertain Significance.